The following is an entry in ClinVar:

ClinVar aggregate classification (germline): Uncertain significance. Review status: criteria provided, multiple submitters, no conflicts (2 of 4 stars). 2 submissions from 2 submitters: Uncertain significance (2). Last evaluated 2025-10-01.

Conditions:
Inborn genetic diseases. Identifiers: MedGen C0950123, MeSH D030342.

Allele frequency attached by ClinVar (database versions not stated): gnomAD exomes below 0.00001.
gnomAD v4.1: 1 of 1,613,932 alleles (0.000062%); highest among the groups gnomAD compares: South Asian, 0.0011%; no homozygotes.

Submissions (2):

Ambry Genetics
Classification: Uncertain significance for Inborn genetic diseases. Last evaluated: 2025-10-01. Review status: criteria provided, single submitter. Criteria: Ambry Variant Classification Scheme 2023. Collection method: clinical testing. Allele origin: germline.

Labcorp Genetics (formerly Invitae), Labcorp
Classification: Uncertain significance. Last evaluated: 2021-05-03. Review status: criteria provided, single submitter. Criteria: Invitae Variant Classification Sherloc (09022015). Collection method: clinical testing. Allele origin: germline.
Comment: This variant has not been reported in the literature in individuals with CACNA2D4-related conditions. This sequence change replaces glycine with aspartic acid at codon 119 of the CACNA2D4 protein (p.Gly119Asp). The glycine residue is moderately conserved and there is a moderate physicochemical difference between glycine and aspartic acid. This variant is not present in population databases (ExAC no frequency). Algorithms developed to predict the effect of missense changes on protein structure and function are either unavailable or do not agree on the potential impact of this missense change (SIFT: "Deleterious"; PolyPhen-2: "Probably Damaging"; Align-GVGD: "Class C0"). In summary, the available evidence is currently insufficient to determine the role of this variant in disease. Therefore, it has been classified as a Variant of Uncertain Significance.

NM_172364.5(CACNA2D4):c.356G>A (p.Gly119Asp)

Gene: CACNA2D4 (calcium voltage-gated channel auxiliary subunit alpha2delta 4; minus strand). Cytogenetic location: 12p13.33.
Variant type: single nucleotide variant.
Coding change: c.356G>A on transcript NM_172364.5 (MANE Select); coding-DNA position 356, G replaced by A.
Protein change: p.Gly119Asp; replaces glycine 119 with aspartic acid.
Molecular consequence: missense variant.
Genome position (GRCh38, 1-based): chr12:1,913,093, C>T on the plus strand (G>A on the coding strand, the complement: CACNA2D4 is on the minus strand). VCF-style: chr12-1913093-C-T. GRCh37 (hg19) VCF-style: chr12-2022259-C-T.
Other names: c.356G>A (NM_172364.4); short protein forms G119D.
Identifiers: ClinVar variation 1474763 (VCV001474763.9), dbSNP rs1866874285, ClinGen allele CA383364996.